The following is an entry in ClinVar:

NM_001267550.2(TTN):c.86456A>C (p.Asp28819Ala)

Genes: TTN (titin; minus strand), TTN-AS1 (TTN antisense RNA 1; plus strand). Cytogenetic location: 2q31.2.
Variant type: single nucleotide variant.
Coding change: c.86456A>C on transcript NM_001267550.2 (MANE Select); coding-DNA position 86456, A replaced by C.
Protein change: p.Asp28819Ala; replaces aspartic acid 28819 with alanine.
Molecular consequence: missense variant.
Genome position (GRCh38, 1-based): chr2:178,559,676, T>G on the plus strand (A>C on the coding strand, the complement: TTN is on the minus strand). VCF-style: chr2-178559676-T-G. GRCh37 (hg19) VCF-style: chr2-179424403-T-G.
Other names: c.81533A>C, p.Asp27178Ala (NM_001256850.1); c.59261A>C, p.Asp19754Ala (NM_003319.4); c.78752A>C, p.Asp26251Ala (NM_133378.4); c.59636A>C, p.Asp19879Ala (NM_133432.3); c.59837A>C, p.Asp19946Ala (NM_133437.4); short protein forms D19754A, D19879A, D19946A, D26251A, D27178A, D28819A.
Identifiers: ClinVar variation 1709136 (VCV001709136.3), dbSNP rs2469627832, ClinGen allele CA349543668.

ClinVar aggregate classification (germline): Uncertain significance. Review status: criteria provided, multiple submitters, no conflicts (2 of 4 stars). 2 submissions from 2 submitters: Uncertain significance (2). Last evaluated 2024-12-06.

Conditions:
Myopathy, myofibrillar, 9, with early respiratory failure (MFM9). Also called: Hereditary myopathy with early respiratory failure; Myopathy, distal, with early respiratory failure, autosomal dominant; EDSTROM MYOPATHY; MYOPATHY, PROXIMAL, WITH EARLY RESPIRATORY MUSCLE INVOLVEMENT. Identifiers: Orphanet 178464, Orphanet 34521, MedGen C1863599, MONDO:0011362, OMIM 603689.

Submissions (2):

GeneDx
Classification: Uncertain significance. Last evaluated: 2024-12-06. Review status: criteria provided, single submitter. Criteria: GeneDx Variant Classification Process June 2021. Collection method: clinical testing. Allele origin: germline. Affected: yes.
Comment: Not observed at significant frequency in large population cohorts (gnomAD); Missense variant in a gene in which most reported pathogenic variants are truncating/loss of function; Has not been previously published as pathogenic or benign to our knowledge

MGZ Medical Genetics Center
Classification: Uncertain significance for Myopathy, myofibrillar, 9, with early respiratory failure. Last evaluated: 2022-02-10. Review status: criteria provided, single submitter. Criteria: ACMG Guidelines, 2015. Collection method: clinical testing. Allele origin: germline. Affected: yes. Observed: 1 variant allele.
Comment: ACMG criteria applied: PM2_SUP, PP3